The following is an entry in ClinVar:

NM_001035.3(RYR2):c.12111C>T (p.Pro4037=)

Gene: RYR2 (ryanodine receptor 2; plus strand). Cytogenetic location: 1q43.
Variant type: single nucleotide variant.
Coding change: c.12111C>T on transcript NM_001035.3 (MANE Select); coding-DNA position 12111, C replaced by T.
Protein change: p.Pro4037=; no amino-acid change (proline 4037 retained).
Molecular consequence: synonymous variant.
Genome position (GRCh38, 1-based): chr1:237,783,823, C>T. VCF-style: chr1-237783823-C-T. GRCh37 (hg19) VCF-style: chr1-237947123-C-T.
Other names: c.12111C>T (NM_001035.2).
Identifiers: ClinVar variation 923227 (VCV000923227.57), dbSNP rs770463326, ClinGen allele CA085128.
Genomic context (GRCh38, chr1:237,783,823, plus strand): 5'-TGACATGTTCTTAAAACTAAAGGATTTGACGTCGTCTGATACTTTTAAAGAATATGACCC[C>T]GATGGCAAGGGAGTCATTTCCAAGAGGGACTTCCACAAAGCGATGGAGAGCCATAAGCAC-3'
Protein context (NP_001026.2, residues 4027-4047): TSSDTFKEYD[Pro4037=]DGKGVISKRD

ClinVar aggregate classification (germline): Likely benign. Review status: criteria provided, multiple submitters, no conflicts (2 of 4 stars). 8 submissions from 8 submitters: Likely benign (6). 2 of the submissions do not count toward it. Last evaluated 2025-12-31.

Conditions:
Catecholaminergic polymorphic ventricular tachycardia (CVPT). Also called: Catecholamine-induced polymorphic ventricular tachycardia. Identifiers: Orphanet 3286, MedGen C5574922, MONDO:0017990.
Cardiomyopathy (CMYO). Also called: Cardiomyopathies. Identifiers: Orphanet 167848, MedGen C0878544, MONDO:0004994, HP:0001638. Inheritance: Various modes of inheritance.
Cardiovascular phenotype. Identifiers: MedGen CN230736.
Catecholaminergic polymorphic ventricular tachycardia 1. Also called: RYR2-Related Catecholaminergic Polymorphic Ventricular Tachycardia; VENTRICULAR TACHYCARDIA, STRESS-INDUCED POLYMORPHIC 1; VENTRICULAR TACHYCARDIA, CATECHOLAMINERGIC POLYMORPHIC, 1, WITH OR WITHOUT ATRIAL DYSFUNCTION AND/OR DILATED CARDIOMYOPATHY. Identifiers: Orphanet 3286, MedGen C1631597, MONDO:0011484, OMIM 604772.

Allele frequency attached by ClinVar (database versions not stated): ExAC 0.00002; gnomAD 0.00002; gnomAD exomes 0.00002; TOPMed 0.00003.
gnomAD v4.1: 71 of 1,613,642 alleles (0.0044%); highest among the groups gnomAD compares: Non-Finnish European, 0.0058%; no homozygotes.

Submissions (8):

Labcorp Genetics (formerly Invitae), Labcorp
Classification: Likely benign for Catecholaminergic polymorphic ventricular tachycardia 1. Last evaluated: 2025-12-31. Review status: criteria provided, single submitter. Criteria: Invitae Variant Classification Sherloc (09022015). Collection method: clinical testing. Allele origin: germline.

Women's Health and Genetics/Laboratory Corporation of America, LabCorp
Classification: Likely benign. Last evaluated: 2025-03-22. Review status: criteria provided, single submitter. Criteria: LabCorp Variant Classification Summary - May 2015. Collection method: clinical testing. Allele origin: germline.

All of Us Research Program, National Institutes of Health
Classification: Likely benign for Catecholaminergic polymorphic ventricular tachycardia. Last evaluated: 2023-12-01. Review status: criteria provided, single submitter. Criteria: ACMG Guidelines, 2015. Collection method: clinical testing. Allele origin: germline. Inheritance: Autosomal dominant inheritance. Observed: 6 variant alleles, 6 heterozygotes.
Comment: This study involves interpretation of variants in research participants for the purpose of population health screening. Participant phenotype was not available at the time of variant classification. Additional details can be found in publication PMID: 35346344, PMCID: PMC8962531

Ambry Genetics
Classification: Likely benign for Cardiovascular phenotype. Last evaluated: 2023-02-25. Review status: criteria provided, single submitter. Criteria: Ambry Variant Classification Scheme 2023. Collection method: clinical testing. Allele origin: germline.

Blueprint Genetics
Classification: Likely benign. Last evaluated: 2022-08-25. Review status: criteria provided, single submitter. Criteria: ACMG Guidelines, 2015. Collection method: clinical testing. Allele origin: germline.

Color Diagnostics, LLC DBA Color Health
Classification: Likely benign for Cardiomyopathy. Last evaluated: 2019-01-20. Review status: criteria provided, single submitter. Criteria: ACMG Guidelines, 2015. Collection method: clinical testing. Allele origin: germline.

Clinical Genetics, Academic Medical Center
Classification: Benign. Review status: no assertion criteria provided. Collection method: clinical testing. Allele origin: germline. Affected: yes. Study: VKGL Data-share Consensus. Not counted in ClinVar's aggregate classification.

Diagnostic Laboratory, Department of Genetics, University Medical Center Groningen
Classification: Likely benign. Review status: no assertion criteria provided. Collection method: clinical testing. Allele origin: germline. Affected: yes. Study: VKGL Data-share Consensus. Not counted in ClinVar's aggregate classification.